The following is an entry in ClinVar:

ClinVar aggregate classification (germline): Uncertain significance (1 of 4 stars; one submission).

Allele frequency attached by ClinVar (database versions not stated): gnomAD exomes below 0.00001; ExAC 0.00001; gnomAD 0.00001; TOPMed 0.00001.
gnomAD v4.1: 3 of 1,614,022 alleles (0.00019%); highest among the groups gnomAD compares: African/African-American, 0.0013%; no homozygotes.

Submission:

Labcorp Genetics (formerly Invitae), Labcorp
Classification: Uncertain significance. Last evaluated: 2021-12-03. Review status: criteria provided, single submitter. Criteria: Invitae Variant Classification Sherloc (09022015). Collection method: clinical testing. Allele origin: germline.
Comment: This sequence change replaces proline, which is neutral and non-polar, with leucine, which is neutral and non-polar, at codon 254 of the ZNF513 protein (p.Pro254Leu). This variant is present in population databases (rs750315048, gnomAD 0.0009%). This variant has not been reported in the literature in individuals affected with ZNF513-related conditions. Algorithms developed to predict the effect of missense changes on protein structure and function (SIFT, PolyPhen-2, Align-GVGD) all suggest that this variant is likely to be disruptive. In summary, the available evidence is currently insufficient to determine the role of this variant in disease. Therefore, it has been classified as a Variant of Uncertain Significance.

NM_144631.6(ZNF513):c.761C>T (p.Pro254Leu)

Gene: ZNF513 (zinc finger protein 513; minus strand). Cytogenetic location: 2p23.3.
Variant type: single nucleotide variant.
Coding change: c.761C>T on transcript NM_144631.6 (MANE Select); coding-DNA position 761, C replaced by T.
Protein change: p.Pro254Leu; replaces proline 254 with leucine.
Molecular consequence: missense variant.
Genome position (GRCh38, 1-based): chr2:27,378,505, G>A on the plus strand (C>T on the coding strand, the complement: ZNF513 is on the minus strand). VCF-style: chr2-27378505-G-A. GRCh37 (hg19) VCF-style: chr2-27601372-G-A.
Other names: c.575C>T, p.Pro192Leu (NM_001201459.2); short protein forms P192L, P254L.
Identifiers: ClinVar variation 1379851 (VCV001379851.6), dbSNP rs750315048, ClinGen allele CA1577975.
Genomic context (GRCh38, chr2:27,378,505, plus strand): 5'-TTTGGTCCCTGGTGTGTCTTACCTTCAGGTCGCCGGGGCACCGCCCCCTCCTGCTCTGTG[G>A]GACTGGGAGGCCGGGCTGGTCGTGGAGTACAGCAGCGGAAGCCACAGGTCGGGCAGGGAG-3'
Protein context (NP_653232.3, residues 244-264): CTPRPARPPS[Pro254Leu]TEQEGAVPRR